The following is an entry in ClinVar:

NM_000257.4(MYH7):c.4953+11del

Genes: MHRT (myosin heavy chain associated RNA transcript; plus strand), MYH7 (myosin heavy chain 7; minus strand), LOC126861897 (BRD4-independent group 4 enhancer GRCh37_chr14:23884455-23885654; plus strand). Cytogenetic location: 14q11.2.
Variant type: Deletion.
Coding change: c.4953+11del on transcript NM_000257.4 (MANE Select); 11 bases into the intron after coding-DNA position 4953, one base deleted (A; older notation c.4953+11delA).
Molecular consequence: intron variant.
Genome position (GRCh38, 1-based): chr14:23,415,993, T deleted on the plus strand (A on the coding strand, the reverse complement: MYH7 is on the minus strand). VCF-style (leftmost placement, unchanged base first): chr14-23415992-CT-C. GRCh37 (hg19) VCF-style: chr14-23885201-CT-C.
Other names: c.4953+11delA (NM_000257.4).
Identifiers: ClinVar variation 1990615 (VCV001990615.6), dbSNP rs777500254, ClinGen allele CA044290.

ClinVar aggregate classification (germline): Likely benign. Review status: criteria provided, multiple submitters, no conflicts (2 of 4 stars). 3 submissions from 3 submitters: Likely benign (3). Last evaluated 2026-01-12.

Conditions:
Hypertrophic cardiomyopathy. Also called: HYPERTROPHIC MYOCARDIOPATHY. Identifiers: Orphanet 217569, MedGen C0007194, MeSH D002312, MONDO:0005045, HP:0001639.

Allele frequency attached by ClinVar (database versions not stated): gnomAD exomes below 0.00001; ExAC 0.00002; TOPMed 0.00002; ESP Exome Variant Server 0.00008.

Submissions (3):

Women's Health and Genetics/Laboratory Corporation of America, LabCorp
Classification: Likely benign. Last evaluated: 2026-01-12. Review status: criteria provided, single submitter. Criteria: LabCorp Variant Classification Summary - May 2015. Collection method: clinical testing. Allele origin: germline.
Comment: Variant summary: MYH7 c.4953+11delA alters a nucleotide located at a position not widely known to affect splicing. Consensus agreement among computation tools predict no significant impact on normal splicing. However, these predictions have yet to be confirmed by functional studies. The variant allele was found at a frequency of 8e-06 in 251018 control chromosomes. The available data on variant occurrences in the general population are insufficient to allow any conclusion about variant significance. To our knowledge, no occurrence of c.4953+11delA in individuals affected with MYH7-related conditions and no experimental evidence demonstrating its impact on protein function have been reported. ClinVar contains an entry for this variant (Variation ID: 1990615). Based on the evidence outlined above, the variant was classified as likely benign.

Labcorp Genetics (formerly Invitae), Labcorp
Classification: Likely benign for Hypertrophic cardiomyopathy. Last evaluated: 2025-12-08. Review status: criteria provided, single submitter. Criteria: Invitae Variant Classification Sherloc (09022015). Collection method: clinical testing. Allele origin: germline.

Blueprint Genetics
Classification: Likely benign. Last evaluated: 2023-04-18. Review status: criteria provided, single submitter. Criteria: ACMG Guidelines, 2015. Collection method: clinical testing. Allele origin: germline.